The following is an entry in ClinVar:

ClinVar aggregate classification (germline): Uncertain significance (1 of 4 stars; one submission).

Conditions:
Intellectual developmental disorder, autosomal recessive 1. Also called: MENTAL RETARDATION, AUTOSOMAL RECESSIVE 1; Intellectual disability, autosomal recessive 1. Identifiers: Orphanet 88616, MedGen C1855304, MONDO:0009580, OMIM 249500.

gnomAD v4.1: 1 of 1,610,788 alleles (0.000062%); highest among the groups gnomAD compares: Non-Finnish European, 0.000085%; no homozygotes.

Submission:

Dr. med. U. Finckh, Human Genetics, Eurofins MVZ
Classification: Uncertain significance for Intellectual developmental disorder, autosomal recessive 1. Last evaluated: 2021-06-24. Review status: criteria provided, single submitter. Criteria: ACMG Guidelines, 2015. Collection method: clinical testing. Allele origin: unknown.
Comment: The phase of the two variants is unknown.

NM_003619.4(PRSS12):c.113C>T (p.Pro38Leu)

Gene: PRSS12 (serine protease 12; minus strand). Cytogenetic location: 4q26.
Variant type: single nucleotide variant.
Coding change: c.113C>T on transcript NM_003619.4 (MANE Select); coding-DNA position 113, C replaced by T.
Protein change: p.Pro38Leu; replaces proline 38 with leucine.
Molecular consequence: missense variant.
Genome position (GRCh38, 1-based): chr4:118,352,608, G>A on the plus strand (C>T on the coding strand, the complement: PRSS12 is on the minus strand). VCF-style: chr4-118352608-G-A. GRCh37 (hg19) VCF-style: chr4-119273763-G-A.
Other names: short protein forms P38L.
Identifiers: ClinVar variation 2581017 (VCV002581017.1), dbSNP rs2530648843, ClinGen allele CA358198601.